The following is an entry in ClinVar:

ClinVar aggregate classification (germline): Uncertain significance. Review status: criteria provided, multiple submitters, no conflicts (2 of 4 stars). 2 submissions from 2 submitters: Uncertain significance (2). Last evaluated 2021-06-04.

Conditions:
POLG-related disorder. Also called: POLG-Related Spectrum Disorders; POLG-related condition; POLG-Related Disorders. Identifiers: MedGen C4763519.

Allele frequency attached by ClinVar (database versions not stated): gnomAD 0.00016; TOPMed 0.00025.

Submissions (3):

GeneDx
Classification: Uncertain significance. Last evaluated: 2021-06-04. Review status: criteria provided, single submitter. Criteria: GeneDx Variant Classification Process June 2021. Collection method: clinical testing. Allele origin: germline. Affected: yes.
Comment: Predicted to destroy the canonical splice donor site in intron 1 of an alternate transcript of the POLG gene, and is predicted to cause abnormal gene splicing of this transcript. However, in the absence of RNA/functional studies, the actual effect of this sequence change in this individual is unknown.; Pathogenic variants have not previously been reported in the NM_001126131.1 alternate transcript of the POLG gene to our knowledge; Has not been previously published as pathogenic or benign to our knowledge; No data available from control populations to assess the frequency of this variant

Illumina Laboratory Services, Illumina
Classification: Uncertain significance for POLG-Related Spectrum Disorders. Last evaluated: 2018-01-12. Review status: criteria provided, single submitter. Criteria: ICSL Variant Classification Criteria 13 December 2019. Collection method: clinical testing. Allele origin: germline.

Dr. Peter K. Rogan Lab, Western University
No classification provided (evidence only). Condition: Ovarian serous cystadenocarcinoma. Review status: no classification provided. Collection method: in vitro. Allele origin: not applicable. Functional consequence: retained intron. Not counted in ClinVar's aggregate classification.

NM_002693.3(POLG):c.-170T>A

Genes: POLG (DNA polymerase gamma, catalytic subunit; minus strand), POLG-DT (POLG divergent transcript; plus strand). Cytogenetic location: 15q26.1.
Variant type: single nucleotide variant.
Coding change: c.-170T>A on transcript NM_002693.3 (MANE Select); 170 bases upstream of the start codon, T replaced by A.
Molecular consequence: 5 prime UTR variant. On other transcripts: splice donor variant (1).
Genome position (GRCh38, 1-based): chr15:89,334,683, A>T on the plus strand (T>A on the coding strand, the complement: POLG is on the minus strand). VCF-style: chr15-89334683-A-T. GRCh37 (hg19) VCF-style: chr15-89877914-A-T.
Other names: NC_000015.9:g.89877914A>T; c.-160+2T>A (NM_001126131.2).
Identifiers: ClinVar variation 206625 (VCV000206625.8), dbSNP rs796052915, ClinGen allele CA316889.